The following is an entry in ClinVar:

NM_139076.3(ABRAXAS1):c.632A>G (p.Glu211Gly)

Gene: ABRAXAS1 (abraxas 1, BRCA1 A complex subunit; minus strand). Cytogenetic location: 4q21.23.
Variant type: single nucleotide variant.
Coding change: c.632A>G on transcript NM_139076.3 (MANE Select); coding-DNA position 632, A replaced by G.
Protein change: p.Glu211Gly; replaces glutamic acid 211 with glycine.
Molecular consequence: missense variant.
Genome position (GRCh38, 1-based): chr4:83,467,503, T>C on the plus strand (A>G on the coding strand, the complement: ABRAXAS1 is on the minus strand). VCF-style: chr4-83467503-T-C. GRCh37 (hg19) VCF-style: chr4-84388656-T-C.
Other names: c.305A>G, p.Glu102Gly (NM_001345962.2); short protein forms E211G, E102G.
Identifiers: ClinVar variation 5029291 (VCV005029291.1).

ClinVar aggregate classification (germline): Uncertain significance (1 of 4 stars; one submission).

Submission:

Ambry Genetics
Classification: Uncertain significance. Last evaluated: 2026-09-06. Review status: criteria provided, single submitter. Criteria: Ambry Variant Classification Scheme 2023. Collection method: clinical testing. Allele origin: germline.
Comment: The p.E211G variant (also known as c.632A>G), located in coding exon 7 of the FAM175A gene, results from an A to G substitution at nucleotide position 632. The glutamic acid at codon 211 is replaced by glycine, an amino acid with similar properties. This amino acid position is conserved. In addition, the in silico prediction for this alteration is inconclusive. Based on the available evidence, the clinical significance of this variant remains unclear.